The following is an entry in ClinVar:

ClinVar aggregate classification (germline): Pathogenic/Likely pathogenic. Review status: criteria provided, multiple submitters, no conflicts (2 of 4 stars). 2 submissions from 2 submitters: Pathogenic (1); Likely pathogenic (1). Last evaluated 2024-04-04.

Conditions:
Mucopolysaccharidosis, MPS-IV-A (MPS4A). Also called: Mucopolysaccharidosis type IV A; Mucopolysaccharidosis Type IVA; Morquio syndrome A, mild; MORQUIO SYNDROME A; MPS IVA; mucopolysaccharidosis type 4A. Identifiers: Orphanet 309297, Orphanet 582, MedGen C0086651, MONDO:0009659, OMIM 253000.

Submissions (2):

Genomic Medicine Center of Excellence, King Faisal Specialist Hospital and Research Centre
Classification: Pathogenic for Mucopolysaccharidosis, MPS-IV-A. Last evaluated: 2024-04-04. Review status: criteria provided, single submitter. Criteria: ACMG Guidelines, 2015. Collection method: clinical testing. Allele origin: germline.

Laboratory of Diagnosis and Therapy of Lysosomal Disorders, University of Padova
Classification: Likely pathogenic for Mucopolysaccharidosis, MPS-IV-A. Last evaluated: 2021-02-01. Review status: criteria provided, single submitter. Criteria: ACMG Guidelines, 2015. Collection method: research. Allele origin: germline. Affected: yes.
Comment: Frameshift variant (PVS1_very strong); absent from gnomAD v2.1.1 (PM2_moderate)

Literature cited by the submitters: PubMed 24726177 (cited by Laboratory of Diagnosis and Therapy of Lysosomal Disorders, University of Padova); PubMed 34387910 (cited by Laboratory of Diagnosis and Therapy of Lysosomal Disorders, University of Padova).

NM_000512.5(GALNS):c.1070del (p.Pro357fs)

Gene: GALNS (galactosamine (N-acetyl)-6-sulfatase; minus strand). Cytogenetic location: 16q24.3.
Variant type: Deletion.
Coding change: c.1070del on transcript NM_000512.5 (MANE Select); coding-DNA position 1070, one base deleted (C; older notation c.1070delC).
Protein change: p.Pro357fs; shifts the reading frame from proline 357.
Molecular consequence: frameshift variant.
Genome position (GRCh38, 1-based): chr16:88,826,771, G deleted on the plus strand (C on the coding strand, the reverse complement: GALNS is on the minus strand); the first of 2 consecutive G bases (chr16:88,826,771-88,826,772); deleting either gives the same sequence. VCF-style (leftmost placement, unchanged base first): chr16-88826770-CG-C. GRCh37 (hg19) VCF-style: chr16-88893178-CG-C.
Other names: c.515del, p.Pro172fs (NM_001323543.2); c.1088del, p.Pro363fs (NM_001323544.2); short protein forms P172fs, P357fs, P363fs.
Identifiers: ClinVar variation 1048491 (VCV001048491.4), dbSNP rs2142995810, ClinGen allele CA916079740.